The following is an entry in ClinVar:

ClinVar aggregate classification (germline): Pathogenic (1 of 4 stars; one submission).

Conditions:
KAT6B-related disorder. Also called: KAT6B-related disorders; KAT6B-related condition.

Submission:

Daryl Scott Lab, Baylor College of Medicine
Classification: Pathogenic for KAT6B-related disorder. Last evaluated: 2025-08-25. Review status: criteria provided, single submitter. Criteria: ACMG Guidelines, 2015. Collection method: clinical testing. Allele origin: de novo. Affected: yes. Observed: 1 heterozygote.
Comment: PVS1, PS2, PM2

NM_012330.4(KAT6B):c.3152del (p.Ser1051fs)

Gene: KAT6B (lysine acetyltransferase 6B; plus strand). Cytogenetic location: 10q22.2.
Variant type: Deletion.
Coding change: c.3152del on transcript NM_012330.4 (MANE Select); coding-DNA position 3152, one base deleted (G; older notation c.3152delG).
Protein change: p.Ser1051fs; shifts the reading frame from serine 1051.
Molecular consequence: frameshift variant.
Genome position (GRCh38, 1-based): chr10:75,022,011, G deleted. VCF-style (leftmost placement, unchanged base first): chr10-75022010-AG-A. GRCh37 (hg19) VCF-style: chr10-76781768-AG-A.
Other names: c.3152delG (NM_012330.4); c.2603del, p.Ser868fs (NM_001256468.2, NM_001370138.1); c.2276del, p.Ser759fs (NM_001256469.2, NM_001370139.1, NM_001370140.1 and 2 more transcripts); c.2114del, p.Ser705fs (NM_001370132.1); c.1463del, p.Ser488fs (NM_001370133.1); c.1067del, p.Ser356fs (NM_001370134.1); c.809del, p.Ser270fs (NM_001370135.1); c.3152del, p.Ser1051fs (NM_001370136.1, NM_001370137.1); and 1 more; short protein forms S1051fs, S270fs, S356fs, S488fs, S696fs, S705fs, S759fs, S868fs.
Identifiers: ClinVar variation 4279695 (VCV004279695.1).
Genomic context (GRCh38, chr10:75,022,010, plus strand): 5'-AACAGTAGGCAATCACCTGCAAAAGTACAATCGAAAAATAAATATTTGCATTCCCCGGAG[AG>A]CCGGCCAGTCACAGGGGAGCGAGGGCAGCTGCTGGAGCTGTCTAAAGAGAGCAGTGAAGA-3'